The following is an entry in ClinVar:

NM_002693.3(POLG):c.2101G>A (p.Ala701Thr)

Gene: POLG (DNA polymerase gamma, catalytic subunit; minus strand). Cytogenetic location: 15q26.1.
Variant type: single nucleotide variant.
Coding change: c.2101G>A on transcript NM_002693.3 (MANE Select); coding-DNA position 2101, G replaced by A.
Protein change: p.Ala701Thr; replaces alanine 701 with threonine.
Molecular consequence: missense variant.
Genome position (GRCh38, 1-based): chr15:89,323,871, C>T on the plus strand (G>A on the coding strand, the complement: POLG is on the minus strand). VCF-style: chr15-89323871-C-T. GRCh37 (hg19) VCF-style: chr15-89867102-C-T.
Other names: p.A701T:GCT>ACT; p.Ala701Thr; c.2101G>A, p.Ala701Thr (NM_001126131.2); short protein forms A701T.
Identifiers: ClinVar variation 206510 (VCV000206510.7), dbSNP rs747214857, ClinGen allele CA316666.

ClinVar aggregate classification (germline): Uncertain significance. Review status: criteria provided, multiple submitters, no conflicts (2 of 4 stars). 4 submissions from 4 submitters: Uncertain significance (4). Last evaluated 2025-10-12.

Conditions:
Progressive sclerosing poliodystrophy (MTDPS4A). Also called: NEURONAL DEGENERATION OF CHILDHOOD WITH LIVER DISEASE, PROGRESSIVE; Mitochondrial DNA depletion syndrome 4A (Alpers type); Mitochondrial DNA Depletion Syndrome 4A; Alpers-Huttenlocher Syndrome (AHS); ALPERS PROGRESSIVE INFANTILE POLIODYSTROPHY; Alpers Syndrome. Identifiers: Orphanet 726, MedGen C0205710, MONDO:0008758, OMIM 203700.
Sensory ataxic neuropathy, dysarthria, and ophthalmoparesis (SANDO). Also called: Sensory ataxic neuropathy-dysarthria-ophthalmoparesis syndrome; SENSORY ATAXIC NEUROPATHY WITH MITOCHONDRIAL DNA DELETIONS, AUTOSOMAL RECESSIVE; Epilepsy, progressive myoclonic, type 5; Ataxia Neuropathy Spectrum (ANS). Identifiers: Orphanet 70595, MedGen C1843851, MONDO:0011835, OMIM 607459.
Mitochondrial DNA depletion syndrome 4b. Also called: Mitochondrial Neurogastrointestinal Encephalopathy Disease, POLG-Related; MNGIE, POLG-RELATED. Identifiers: Orphanet 298, MedGen C3150914, MONDO:0013350, OMIM 613662.

Allele frequency attached by ClinVar (database versions not stated): ExAC 0.00001; gnomAD 0.00003 and 0.00004; gnomAD exomes 0.00001; TOPMed 0.00004.
gnomAD v4.1: 9 of 1,613,964 alleles (0.00056%); highest among the groups gnomAD compares: African/African-American, 0.011%; no homozygotes.

Submissions (4):

Clinical Genomics Laboratory, Washington University in St. Louis
Classification: Uncertain significance for Progressive sclerosing poliodystrophy; Mitochondrial DNA depletion syndrome 4b; Sensory ataxic neuropathy, dysarthria, and ophthalmoparesis. Last evaluated: 2025-10-12. Review status: criteria provided, single submitter. Criteria: ACMG Guidelines, 2015. Collection method: clinical testing. Allele origin: germline.
Comment: The POLG c.2101G>A (p.Ala701Thr) variant, to our knowledge, has not been reported in the medical literature. This variant has been reported in the ClinVar database as a germline variant of uncertain significance by three submitters. This variant is only observed in 9/1,613,964 alleles in the general population (gnomAD v.4.1.0), indicating it is not a common variant. Computational predictors suggest that the variant does not impact POLG function. Due to limited information, and based on ACMG/AMP guidelines for variant interpretation (Richards S et al., PMID: 25741868), the clinical significance of this variant is uncertain at this time.

Labcorp Genetics (formerly Invitae), Labcorp
Classification: Uncertain significance for Progressive sclerosing poliodystrophy. Last evaluated: 2024-05-02. Review status: criteria provided, single submitter. Criteria: Invitae Variant Classification Sherloc (09022015). Collection method: clinical testing. Allele origin: germline.
Comment: This sequence change replaces alanine, which is neutral and non-polar, with threonine, which is neutral and polar, at codon 701 of the POLG protein (p.Ala701Thr). This variant is present in population databases (rs747214857, gnomAD 0.01%). This variant has not been reported in the literature in individuals affected with POLG-related conditions. ClinVar contains an entry for this variant (Variation ID: 206510). Advanced modeling of protein sequence and biophysical properties (such as structural, functional, and spatial information, amino acid conservation, physicochemical variation, residue mobility, and thermodynamic stability) performed at Invitae indicates that this missense variant is not expected to disrupt POLG protein function with a negative predictive value of 95%. In summary, the available evidence is currently insufficient to determine the role of this variant in disease. Therefore, it has been classified as a Variant of Uncertain Significance.

Mayo Clinic Laboratories, Mayo Clinic
Classification: Uncertain significance. Last evaluated: 2023-06-16. Review status: criteria provided, single submitter. Criteria: ACMG Guidelines, 2015. Collection method: clinical testing. Allele origin: germline. Observed: 2 variant alleles.
Comment: BP4

GeneDx
Classification: Uncertain significance. Last evaluated: 2018-07-02. Review status: criteria provided, single submitter. Criteria: GeneDx Variant Classification (06012015). Collection method: clinical testing. Allele origin: germline. Affected: yes.
Comment: c.2101 G>A p.Ala701Thr (A701T) NM_002693.2. The A701T variant has not been published as a mutation, nor has it been reported as a benign polymorphism to our knowledge. It was not observed in approximately 6,500 individuals of European and African American ancestry in the NHLBI Exome Sequencing Project, indicating it is not a common benign variant in these populations. The A701T variant is a non-conservative amino acid substitution, which is likely to impact secondary protein structure as these residues differ in polarity, charge, size and/or other properties. However, this substitution occurs at a position that is not conserved across species, and Threonine is observed at this position in a mammalian species in evolution. Additionally, in silico analysis predicts this variant likely does not alter the protein structure/function. The variant is found in CHILD-EPI panel(s).